The following is an entry in ClinVar:

ClinVar aggregate classification (germline): Uncertain significance. Review status: criteria provided, multiple submitters, no conflicts (2 of 4 stars). 2 submissions from 2 submitters: Uncertain significance (2). Last evaluated 2025-09-02.

Allele frequency attached by ClinVar (database versions not stated): ExAC 0.00007; TOPMed 0.00034; gnomAD 0.00041 and 0.00043; 1000 Genomes Project 30x 0.00047; 1000 Genomes Project 0.00060.
gnomAD v4.1: 151 of 1,614,230 alleles (0.0094%); highest among the groups gnomAD compares: African/African-American, 0.14%; no homozygotes.

Submissions (2):

Labcorp Genetics (formerly Invitae), Labcorp
Classification: Uncertain significance. Last evaluated: 2025-09-02. Review status: criteria provided, single submitter. Criteria: Invitae Variant Classification Sherloc (09022015). Collection method: clinical testing. Allele origin: germline.
Comment: This sequence change replaces glutamic acid, which is acidic and polar, with glycine, which is neutral and non-polar, at codon 774 of the SLCO5A1 protein (p.Glu774Gly). This variant is present in population databases (rs183061011, gnomAD 0.1%), and has an allele count higher than expected for a pathogenic variant. This variant has not been reported in the literature in individuals affected with SLCO5A1-related conditions. ClinVar contains an entry for this variant (Variation ID: 1420359). An algorithm developed to predict the effect of missense changes on protein structure and function (PolyPhen-2) suggests that this variant is likely to be tolerated. In summary, the available evidence is currently insufficient to determine the role of this variant in disease. Therefore, it has been classified as a Variant of Uncertain Significance.

Ambry Genetics
Classification: Uncertain significance. Last evaluated: 2024-07-02. Review status: criteria provided, single submitter. Criteria: Ambry Variant Classification Scheme 2023. Collection method: clinical testing. Allele origin: germline.

NM_030958.3(SLCO5A1):c.2321A>G (p.Glu774Gly)

Gene: SLCO5A1 (solute carrier organic anion transporter family member 5A1; minus strand). Cytogenetic location: 8q13.3.
Variant type: single nucleotide variant.
Coding change: c.2321A>G on transcript NM_030958.3 (MANE Select); coding-DNA position 2321, A replaced by G.
Protein change: p.Glu774Gly; replaces glutamic acid 774 with glycine.
Molecular consequence: missense variant. On other transcripts: 3 prime UTR variant (1).
Genome position (GRCh38, 1-based): chr8:69,673,095, T>C on the plus strand (A>G on the coding strand, the complement: SLCO5A1 is on the minus strand). VCF-style: chr8-69673095-T-C. GRCh37 (hg19) VCF-style: chr8-70585330-T-C.
Other names: c.*192A>G (NM_001146008.2); c.2156A>G, p.Glu719Gly (NM_001146009.1); c.2321A>G (NM_030958.2); short protein forms E719G, E774G.
Identifiers: ClinVar variation 1420359 (VCV001420359.8), dbSNP rs183061011, ClinGen allele CA4776366.